The following is an entry in ClinVar:

ClinVar aggregate classification (germline): Likely pathogenic. Review status: criteria provided, multiple submitters, no conflicts (2 of 4 stars). 6 submissions from 6 submitters: Likely pathogenic (6). Last evaluated 2026-05-23.

Conditions:
Progressive familial intrahepatic cholestasis type 3. Also called: Low Gamma-GT Familial Intrahepatic Cholestasis; MDR3 DEFICIENCY. Identifiers: Orphanet 79305, MedGen C1865643, MONDO:0011214, OMIM 602347.
Cholestasis, intrahepatic, of pregnancy, 3. Identifiers: Orphanet 69665, MedGen C3554241, MONDO:0013995, OMIM 614972.
Low phospholipid associated cholelithiasis (GBD1). Also called: Gallbladder disease 1; Gallstone cholecystitis. Identifiers: Orphanet 69663, MedGen C2609268, MONDO:0010939, OMIM 600803.
ABCB4-Related Intrahepatic Cholestasis.
Familial intrahepatic cholestasis. Identifiers: Orphanet 284385, MedGen CN296401, MONDO:0017290.
ABCB4-related disorder. Also called: ABCB4-related disorders; ABCB4-related condition.
Progressive familial intrahepatic cholestasis (PFIC). Also called: Progressive family intrahepatic cholestasis; Progressive intrahepatic cholestasis. Identifiers: Orphanet 172, MedGen C0268312, MONDO:0015762.

Allele frequency attached by ClinVar (database versions not stated): gnomAD 0.00001; gnomAD exomes 0.00001; TOPMed 0.00001.
gnomAD v4.1: 7 of 1,613,862 alleles (0.00043%); highest among the groups gnomAD compares: Non-Finnish European, 0.00059%; no homozygotes.

Submissions (6):

PreventionGenetics, part of Exact Sciences
Classification: Likely pathogenic for ABCB4-related condition. Last evaluated: 2026-05-23. Review status: criteria provided, single submitter. Criteria: ACMG Guidelines, 2015. Collection method: clinical testing. Allele origin: germline.
Comment: The ABCB4 c.2932T>C variant is predicted to result in the amino acid substitution p.Ser978Pro. This variant has been reported in the heterozygous state in individuals with autosomal dominant ABCB4-related conditions, including intrahepatic cholestasis of pregnancy and low phospholipid-associated cholelithiasis, and segregates with these disorders in families (Tougeron et al. 2012. PubMed ID: 22387667; Table S3, Dröge et al. 2017. PubMed ID: 28733223; Huynh et al. 2019. PubMed ID: 31538484; Miranda-Bautista et al. 2019. PubMed ID: 31538486). The variant is also associated with an increased risk to develop cholangiocarcinoma in the heterozygous state (Tougeron et al. 2012. PubMed ID: 22387667) and has also been reported in combination with another ABCB4 variant in an individual with mild progressive familial intrahepatic cholestasis type 3 (Table S1, Gonzales E. et al. 2023. PubMed ID: 37701337). Functional studies demonstrate that this variant significantly reduces or completely abolishes protein function (Gordo-Gilart et al. 2015. PubMed ID: 24594635; Andress et al. 2017. PubMed ID: 28220208). This variant has not been reported in a large population database (gnomAD), indicating this variant is rare. This variant is classified as likely pathogenic in ClinVar (Variation ID: 599183). This variant is interpreted as likely pathogenic.

Genomenon, Inc
Classification: Likely pathogenic for Familial intrahepatic cholestasis; Low phospholipid associated cholelithiasis. Last evaluated: 2026-04-14. Review status: criteria provided, single submitter. Criteria: Genomenon Sequence Variant Interpretation Standards - Updated. Collection method: curation. Allele origin: germline. Affected: yes.
Comment: ABCB4 p.Ser978Pro (c.2932T>C) is a missense variant that changes the amino acid at residue 978 from Serine to Proline. This variant has been observed in at least one proband with an ABCB4-related disorder (PMID:37701337;31538484;31538486;27936482;22387667;24594635). The variant was found to segregate with disease in at least one affected family (PMID:31538486). At least one functional study has demonstrated a substantial alteration in protein function relative to the wild-type (PMID:28220208;24594635). It is absent or not present at a significant frequency in gnomAD. In silico models predict that this variant is possibly or probably damaging. In conclusion, we classify ABCB4 p.Ser978Pro (c.2932T>C) as a likely pathogenic variant.

Fulgent Genetics
Classification: Likely pathogenic for Low phospholipid associated cholelithiasis; Progressive familial intrahepatic cholestasis type 3; Cholestasis, intrahepatic, of pregnancy, 3. Last evaluated: 2024-06-14. Review status: criteria provided, single submitter. Criteria: ACMG Guidelines, 2015. Collection method: clinical testing. Allele origin: germline.

Women's Health and Genetics/Laboratory Corporation of America, LabCorp
Classification: Likely pathogenic for Progressive familial intrahepatic cholestasis. Last evaluated: 2024-06-14. Review status: criteria provided, single submitter. Criteria: LabCorp Variant Classification Summary - May 2015. Collection method: clinical testing. Allele origin: germline.
Comment: Variant summary: ABCB4 c.2932T>C (p.Ser978Pro) results in a non-conservative amino acid change located in the Type 1 protein exporter (IPR011527) of the encoded protein sequence. Four of five in-silico tools predict a damaging effect of the variant on protein function. The variant was absent in 251132 control chromosomes. c.2932T>C has been reported in the literature in heterozygous individuals affected with low phospholipid-associated cholelithiasis (LPAC) (e.g. Miranda-Bautista_2019, Huynh_2019). These data indicate that the variant may be associated with disease. At least one publication reports experimental evidence evaluating an impact on protein function. The results indicate severely reduced activity and efflux (Andress_2017, Gordo-Gilart_2015). The following publications have been ascertained in the context of this evaluation (PMID: 28220208, 24594635, 31538484, 31538486). ClinVar contains an entry for this variant (Variation ID: 599183). Based on the evidence outlined above, the variant was classified as likely pathogenic.

Dasa
Classification: Likely pathogenic. Last evaluated: 2022-02-14. Review status: criteria provided, single submitter. Criteria: ACMG Guidelines, 2015. Collection method: clinical testing. Allele origin: germline. Affected: yes. Observed: 1 variant allele.
Comment: Well-established in vitro or in vivo functional studies supportive of a damaging effect on the gene or gene product (PMID: 24594635) - PS3_supporting. The variant is located in a mutational hot spot and/or critical and well-established functional domain (ABC_membrane domain ) - PM1. This variant is not present in population databases (rs1051861187, gnomAD; ABraOM no frequency) - PM2. Multiple lines of computational evidence support a deleterious effect on the gene or gene product - PP3. In summary, the currently available evidence indicates that the variant is likely pathogenic.

Gregorio Maranon General University Hospital, Gregorio Maranon Health Research Institute
Classification: Likely pathogenic for Low phospholipid associated cholelithiasis. Last evaluated: 2018-10-01. Review status: criteria provided, single submitter. Criteria: Submitter's publication. Collection method: clinical testing. Allele origin: germline. Inheritance: Autosomal dominant inheritance. Affected: yes. Observed: 1 heterozygote.

Literature cited by the submitters: PubMed 37701337 (cited by Genomenon, Inc); PubMed 31538484 (cited by Genomenon, Inc and Women's Health and Genetics/Laboratory Corporation of America, LabCorp); PubMed 31538486 (cited by Genomenon, Inc and Women's Health and Genetics/Laboratory Corporation of America, LabCorp); PubMed 27936482 (cited by Genomenon, Inc); PubMed 22387667 (cited by Genomenon, Inc); PubMed 24594635 (cited by 3 submitters); PubMed 28220208 (cited by Genomenon, Inc and Women's Health and Genetics/Laboratory Corporation of America, LabCorp).

NM_000443.4(ABCB4):c.2932T>C (p.Ser978Pro)

Gene: ABCB4 (ATP binding cassette subfamily B member 4; minus strand). Cytogenetic location: 7q21.12.
Variant type: single nucleotide variant.
Coding change: c.2932T>C on transcript NM_000443.4 (MANE Select); coding-DNA position 2932, T replaced by C.
Protein change: p.Ser978Pro; replaces serine 978 with proline.
Molecular consequence: missense variant.
Genome position (GRCh38, 1-based): chr7:87,409,385, A>G on the plus strand (T>C on the coding strand, the complement: ABCB4 is on the minus strand). VCF-style: chr7-87409385-A-G. GRCh37 (hg19) VCF-style: chr7-87038701-A-G.
Other names: c.2932T>C (NM_000443.3); c.2932T>C, p.Ser978Pro (NM_018849.3); c.2791T>C, p.Ser931Pro (NM_018850.3); short protein forms S978P, S931P.
Identifiers: ClinVar variation 599183 (VCV000599183.8), dbSNP rs1051861187, ClinGen allele CA162104429.